The following is an entry in ClinVar:

NM_002691.4(POLD1):c.2953+12C>T

Gene: POLD1 (DNA polymerase delta 1, catalytic subunit; plus strand). Cytogenetic location: 19q13.33.
Variant type: single nucleotide variant.
Coding change: c.2953+12C>T on transcript NM_002691.4 (MANE Select); 12 bases into the intron after coding-DNA position 2953, C replaced by T.
Molecular consequence: intron variant.
Genome position (GRCh38, 1-based): chr19:50,416,540, C>T. VCF-style: chr19-50416540-C-T. GRCh37 (hg19) VCF-style: chr19-50919797-C-T.
Other names: c.2953+12C>T (NM_001256849.1); c.3031+12C>T (NM_001308632.1).
Identifiers: ClinVar variation 258788 (VCV000258788.37), dbSNP rs3218776, ClinGen allele CA9596695.

ClinVar aggregate classification (germline): Benign. Review status: criteria provided, multiple submitters, no conflicts (2 of 4 stars). 12 submissions from 12 submitters: Benign (12). Last evaluated 2026-02-04.

Conditions:
Hereditary cancer-predisposing syndrome. Also called: Hereditary Cancer Syndrome; Neoplastic Syndromes, Hereditary; Hereditary neoplastic syndrome; Tumor predisposition. Identifiers: Orphanet 140162, MedGen C0027672, MeSH D009386, MONDO:0015356.
Mandibular hypoplasia-deafness-progeroid syndrome. Also called: Mandibular hypoplasia, deafness, progeroid features, and lipodystrophy syndrome. Identifiers: Orphanet 363649, MedGen C3715192, MONDO:0014157, OMIM 615381.
POLD1-related polyposis and colorectal cancer syndrome (CRCS10). Also called: COLORECTAL CANCER, SUSCEPTIBILITY TO, ON CHROMOSOME 19q; Colorectal cancer 10; Colorectal cancer, susceptibility to, 10. Identifiers: Orphanet 220460, MedGen C2675481, MONDO:0012953, OMIM 612591.

Allele frequency attached by ClinVar (database versions not stated): 1000 Genomes Project 0.40835; 1000 Genomes Project 30x 0.41255; TOPMed 0.53865; gnomAD 0.55171 and 0.55791; ExAC 0.57934; ESP Exome Variant Server 0.58103; gnomAD exomes 0.58174 and 0.64763.
gnomAD v4.1: 985,841 of 1,549,824 alleles (64%); highest among the groups gnomAD compares: Non-Finnish European, 69%; 327,237 homozygotes.

Submissions (12):

Labcorp Genetics (formerly Invitae), Labcorp
Classification: Benign for POLD1-related polyposis and colorectal cancer syndrome. Last evaluated: 2026-02-04. Review status: criteria provided, single submitter. Criteria: Invitae Variant Classification Sherloc (09022015). Collection method: clinical testing. Allele origin: germline.

ARUP Laboratories, Molecular Genetics and Genomics, ARUP Laboratories
Classification: Benign. Last evaluated: 2025-07-30. Review status: criteria provided, single submitter. Criteria: ARUP Molecular Germline Variant Investigation Process 2024. Collection method: clinical testing. Allele origin: germline.

Blueprint Genetics
Classification: Benign. Last evaluated: 2024-11-28. Review status: criteria provided, single submitter. Criteria: ACMG Guidelines, 2015. Collection method: clinical testing. Allele origin: germline.

Unidad de Genómica Garrahan, Hospital de Pediatría Garrahan
Classification: Benign. Last evaluated: 2024-01-24. Review status: criteria provided, single submitter. Criteria: ACMG Guidelines, 2015. Collection method: clinical testing. Allele origin: germline. Affected: no. Observed: 82 variant alleles.
Comment: This variant is classified as Benign based on local population frequency. This variant was detected in 86% of patients studied by a panel of primary immunodeficiencies. Number of patients: 82. Only high quality variants are reported.

KCCC/NGS Laboratory, Kuwait Cancer Control Center
Classification: Benign for POLD1-related polyposis and colorectal cancer syndrome. Last evaluated: 2023-07-07. Review status: criteria provided, single submitter. Criteria: ACMG Guidelines, 2015. Collection method: clinical testing. Allele origin: germline. Affected: yes.

Genome-Nilou Lab
Classification: Benign for Mandibular hypoplasia-deafness-progeroid syndrome. Last evaluated: 2021-10-25. Review status: criteria provided, single submitter. Criteria: ACMG Guidelines, 2015. Collection method: clinical testing. Allele origin: germline. Affected: no.

Women's Health and Genetics/Laboratory Corporation of America, LabCorp
Classification: Benign. Last evaluated: 2016-05-19. Review status: criteria provided, single submitter. Criteria: LabCorp Variant Classification Summary - May 2015. Collection method: clinical testing. Allele origin: germline.
Comment: Variant summary: The POLD1 c.2953+12C>T variant involves the alteration of a non-conserved intronic nucleotide. One in silico tool predicts a benign outcome for this variant, and 5/5 Alamut algorithms predict not significant change to splicing. This variant was found in 13998/24162 control chromosomes (4157 homozygotes) at a frequency of 0.5793395, which is approximately 40785 times the estimated maximal expected allele frequency of a pathogenic POLD1 variant (0.0000142), highly suggesting this variant is a benign polymorphism. The variant of interest has not, to our knowledge, been reported in affected individuals via publications and/or reputable databases/clinical diagnostic laboratories; nor evaluated for functional impact by in vivo/vitro studies. Taken together, this variant is classified as Benign.

Laboratory for Molecular Medicine, Mass General Brigham Personalized Medicine
Classification: Benign. Last evaluated: 2016-03-28. Review status: criteria provided, single submitter. Criteria: LMM Criteria. Collection method: clinical testing. Allele origin: germline.
Comment: Variant identified in a genome or exome case(s) and assessed due to predicted null impact of the variant or pathogenic assertions in the literature or databases. Disclaimer: This variant has not undergone full assessment. The following are preliminary notes: Frequency

GeneDx
Classification: Benign. Last evaluated: 2015-11-02. Review status: criteria provided, single submitter. Criteria: GeneDx Variant Classification (06012015). Collection method: clinical testing. Allele origin: germline. Affected: yes.
Comment: This variant is considered likely benign or benign based on one or more of the following criteria: it is a conservative change, it occurs at a poorly conserved position in the protein, it is predicted to be benign by multiple in silico algorithms, and/or has population frequency not consistent with disease.

Ambry Genetics
Classification: Benign for Hereditary cancer-predisposing syndrome. Last evaluated: 2015-05-21. Review status: criteria provided, single submitter. Criteria: Ambry Variant Classification Scheme 2023. Collection method: clinical testing. Allele origin: germline.

Breakthrough Genomics
Classification: Benign. Review status: criteria provided, single submitter. Criteria: ACMG Guidelines, 2015. Collection method: not provided. Allele origin: germline. Inheritance: Autosomal dominant inheritance. Affected: yes.

PreventionGenetics, part of Exact Sciences
Classification: Benign. Review status: criteria provided, single submitter. Criteria: ACMG Guidelines, 2015. Collection method: clinical testing. Allele origin: germline.